The following is an entry in ClinVar:

ClinVar aggregate classification (germline): Uncertain significance (1 of 4 stars; one submission).

Conditions:
Combined immunodeficiency due to DOCK8 deficiency (HIES2). Also called: HIES autosomal recessive; Hyper-IgE recurrent infection syndrome, autosomal recessive; DOCK8 Deficiency; HYPER-IgE RECURRENT INFECTION SYNDROME 2, AUTOSOMAL RECESSIVE; HYPER-IgE SYNDROME 2, AUTOSOMAL RECESSIVE, WITH RECURRENT INFECTIONS. Identifiers: Orphanet 217390, MedGen C4722305, MONDO:0009478, OMIM 243700.

Allele frequency attached by ClinVar (database versions not stated): gnomAD exomes below 0.00001 and 0.00001; ExAC 0.00001.
gnomAD v4.1: 4 of 1,613,996 alleles (0.00025%); no homozygotes.

Submission:

Labcorp Genetics (formerly Invitae), Labcorp
Classification: Uncertain significance for Combined immunodeficiency due to DOCK8 deficiency. Last evaluated: 2022-03-19. Review status: criteria provided, single submitter. Criteria: Invitae Variant Classification Sherloc (09022015). Collection method: clinical testing. Allele origin: germline.
Comment: In summary, the available evidence is currently insufficient to determine the role of this variant in disease. Therefore, it has been classified as a Variant of Uncertain Significance. Algorithms developed to predict the effect of missense changes on protein structure and function (SIFT, PolyPhen-2, Align-GVGD) all suggest that this variant is likely to be tolerated. ClinVar contains an entry for this variant (Variation ID: 970635). This variant has not been reported in the literature in individuals affected with DOCK8-related conditions. This variant is present in population databases (rs768213866, gnomAD 0.02%). This sequence change replaces histidine, which is basic and polar, with tyrosine, which is neutral and polar, at codon 959 of the DOCK8 protein (p.His959Tyr).

NM_203447.4(DOCK8):c.2875C>T (p.His959Tyr)

Gene: DOCK8 (dedicator of cytokinesis 8; plus strand). Cytogenetic location: 9p24.3.
Variant type: single nucleotide variant.
Coding change: c.2875C>T on transcript NM_203447.4 (MANE Select); coding-DNA position 2875, C replaced by T.
Protein change: p.His959Tyr; replaces histidine 959 with tyrosine.
Molecular consequence: missense variant.
Genome position (GRCh38, 1-based): chr9:390,471, C>T. VCF-style: chr9-390471-C-T. GRCh37 (hg19) VCF-style: chr9-390471-C-T.
Other names: c.2575C>T, p.His859Tyr (NM_001190458.2); c.2671C>T, p.His891Tyr (NM_001193536.2); short protein forms H859Y, H891Y, H959Y.
Identifiers: ClinVar variation 970635 (VCV000970635.10), dbSNP rs768213866, ClinGen allele CA4958406.